The following is an entry in ClinVar:

NM_000520.6(HEXA):c.1045A>T (p.Lys349Ter)

Gene: HEXA (hexosaminidase subunit alpha; minus strand). Cytogenetic location: 15q23.
Variant type: single nucleotide variant.
Coding change: c.1045A>T on transcript NM_000520.6 (MANE Select); coding-DNA position 1045, A replaced by T.
Protein change: p.Lys349Ter; replaces lysine 349 with a stop codon.
Molecular consequence: nonsense. On other transcripts: non-coding transcript variant (1).
Genome position (GRCh38, 1-based): chr15:72,348,076, T>A on the plus strand (A>T on the coding strand, the complement: HEXA is on the minus strand). VCF-style: chr15-72348076-T-A. GRCh37 (hg19) VCF-style: chr15-72640417-T-A.
Other names: c.1078A>T, p.Lys360Ter (NM_001318825.2); short protein forms K349*, K360*.
Identifiers: ClinVar variation 5013469 (VCV005013469.1).

ClinVar aggregate classification (germline): Pathogenic (1 of 4 stars; one submission).

Conditions:
Tay-Sachs disease (TSD). Also called: HEXA DEFICIENCY; GM2 gangliosidosis, type 1; Hexosaminidase alpha-subunit deficiency (variant B); Sphingolipidosis, Tay-Sachs; Hexosaminidase A Deficiency; HEXA Disorders. Identifiers: Orphanet 845, MedGen C0039373, MONDO:0010100, OMIM 272800.

Submission:

Myriad Genetics, Inc.
Classification: Pathogenic for Tay-Sachs disease. Last evaluated: 2024-08-20. Review status: criteria provided, single submitter. Criteria: Myriad Autosomal Dominant, Autosomal Recessive and X-Linked Classification Criteria (2023). Collection method: clinical testing. Allele origin: unknown.
Comment: NM_000520.4(HEXA):c.1045A>T(K349*) is expected to be pathogenic in the context of hexosaminidase A deficiency. This variant is predicted to lead to an abnormal or absent protein product due to the creation of a premature termination codon in HEXA, a gene where loss-of-function variants are known to be pathogenic. Please note: this variant was assessed in the context of healthy population screening.